The following is an entry in ClinVar:

ClinVar aggregate classification (germline): Uncertain significance (1 of 4 stars; one submission).

Conditions:
Severe combined immunodeficiency, autosomal recessive, T cell-negative, B cell-negative, NK cell-positive. Also called: Severe combined immunodeficiency due to complete RAG1/2 deficiency; SCID, T CELL-NEGATIVE, B CELL-NEGATIVE, NK CELL-POSITIVE; SCID, AR, T-cell negative, B-cell negative, NK cell-positive. Identifiers: Orphanet 331206, MedGen C1832322, MONDO:0011086, OMIM 601457.
Combined immunodeficiency with skin granulomas. Identifiers: Orphanet 157949, MedGen C2673536, MONDO:0009306, OMIM 233650.
Histiocytic medullary reticulosis. Also called: SEVERE COMBINED IMMUNODEFICIENCY WITH HYPEREOSINOPHILIA; Omenn syndrome. Identifiers: Orphanet 39041, MedGen C2700553, MONDO:0011338, OMIM 603554.
Combined immunodeficiency due to partial RAG1 deficiency. Identifiers: Orphanet 231154, MedGen C1835931, MONDO:0012359, OMIM 609889.

Submission:

Juno Genomics, Hangzhou Juno Genomics, Inc
Classification: Uncertain significance for Combined immunodeficiency due to partial RAG1 deficiency; Combined immunodeficiency with skin granulomas; Histiocytic medullary reticulosis; Severe combined immunodeficiency, autosomal recessive, T cell-negative, B cell-negative, NK cell-positive. Review status: criteria provided, single submitter. Criteria: ACMG Guidelines, 2015. Collection method: clinical testing. Allele origin: germline.
Comment: Absent from controls (or at extremely low frequency if recessive) in Genome Aggregation Database.;Multiple lines of computational evidence support a deleterious effect on the gene or gene product.

NM_000448.3(RAG1):c.2158G>C (p.Gly720Arg)

Gene: RAG1 (recombination activating 1; plus strand). Cytogenetic location: 11p12.
Variant type: single nucleotide variant.
Coding change: c.2158G>C on transcript NM_000448.3 (MANE Select); coding-DNA position 2158, G replaced by C.
Protein change: p.Gly720Arg; replaces glycine 720 with arginine.
Molecular consequence: missense variant.
Genome position (GRCh38, 1-based): chr11:36,575,462, G>C. VCF-style: chr11-36575462-G-C. GRCh37 (hg19) VCF-style: chr11-36597012-G-C.
Other names: c.2158G>C, p.Gly720Arg (NM_001377277.1, NM_001377278.1, NM_001377279.1 and 3 more transcripts); short protein forms G720R.
Identifiers: ClinVar variation 5007863 (VCV005007863.2).
Genomic context (GRCh38, chr11:36,575,462, plus strand): 5'-ACTTTCAAGTTCATCTTCAGGGGCACCGGCTATGATGAAAAACTTGTGCGGGAAGTGGAA[G>C]GCCTCGAGGCTTCTGGCTCAGTCTACATTTGTACTCTTTGTGATGCCACCCGTCTGGAAG-3'
Protein context (NP_000439.2, residues 710-730): YDEKLVREVE[Gly720Arg]LEASGSVYIC